The following is an entry in ClinVar:

NM_152424.4(AMER1):c.275A>C (p.Lys92Thr)

Gene: AMER1 (APC membrane recruitment protein 1; minus strand). Cytogenetic location: Xq11.2.
Variant type: single nucleotide variant.
Coding change: c.275A>C on transcript NM_152424.4 (MANE Select); coding-DNA position 275, A replaced by C.
Protein change: p.Lys92Thr; replaces lysine 92 with threonine.
Molecular consequence: missense variant.
Genome position (GRCh38, 1-based): chrX:64,193,012, T>G on the plus strand (A>C on the coding strand, the complement: AMER1 is on the minus strand). VCF-style: chrX-64193012-T-G. GRCh37 (hg19) VCF-style: chrX-63412892-T-G.
Other names: short protein forms K92T.
Identifiers: ClinVar variation 3356588 (VCV003356588.1).

ClinVar aggregate classification (germline): Uncertain significance (0 of 4 stars; one submission).

Conditions:
AMER1-related disorder. Also called: AMER1-related condition.

Submission:

PreventionGenetics, part of Exact Sciences
Classification: Uncertain significance for AMER1-related condition. Last evaluated: 2024-04-25. Review status: no assertion criteria provided. Collection method: clinical testing. Allele origin: germline.
Comment: The AMER1 c.275A>C variant is predicted to result in the amino acid substitution p.Lys92Thr. To our knowledge, this variant has not been reported in the literature or in a large population database, indicating this variant is rare. At this time, the clinical significance of this variant is uncertain due to the absence of conclusive functional and genetic evidence.